The following is an entry in ClinVar:

NM_001723.7(DST):c.5334C>G (p.Asp1778Glu)

Gene: DST (dystonin; minus strand). Cytogenetic location: 6p12.1.
Variant type: single nucleotide variant.
Coding change: c.5334C>G on transcript NM_001723.7 (MANE Plus Clinical); coding-DNA position 5334, C replaced by G.
Protein change: p.Asp1778Glu; replaces aspartic acid 1778 with glutamic acid.
Molecular consequence: missense variant. On other transcripts: intron variant (10).
Genome position (GRCh38, 1-based): chr6:56,618,700, G>C on the plus strand (C>G on the coding strand, the complement: DST is on the minus strand). VCF-style: chr6-56618700-G-C. GRCh37 (hg19) VCF-style: chr6-56483498-G-C.
Other names: c.4831-4216C>G (NM_001144769.5); c.4930-4216C>G (NM_001374722.1, NM_001374736.1); c.4957-4216C>G (NM_001374734.1); c.4417-4216C>G (NM_001144770.2); c.4297-4216C>G (NM_001374730.1, NM_001386100.1, NM_183380.4 and 1 more transcripts); c.3319-4216C>G (NM_015548.5); short protein forms D1778E.
Identifiers: ClinVar variation 2126157 (VCV002126157.4), dbSNP rs2098655293, ClinGen allele CA364567614.
Genomic context (GRCh38, chr6:56,618,700, plus strand): 5'-TGTTTCACAAAGCTTAGCATTTTCTTGGGCTCTAGAGTTTTCTTGTTGAAGAGACACAAA[G>C]TCAAGCCTAATGCCTGAAATATCATTTTCAGTGATGACTTTGGACTCCATTAATTTTTCC-3'
Protein context (NP_001714.1, residues 1768-1788): TENDISGIRL[Asp1778Glu]FVSLQQENSR

ClinVar aggregate classification (germline): Uncertain significance (1 of 4 stars; one submission).

Conditions:
Hereditary sensory and autonomic neuropathy type 6. Also called: Neuropathy, hereditary sensory and autonomic, type VI; HSAN VI. Identifiers: Orphanet 314381, MedGen C3539003, MONDO:0013839, OMIM 614653.
Epidermolysis bullosa simplex 3, localized or generalized intermediate, with BP230 deficiency (EBS3). Also called: Epidermolysis bullosa simplex, autosomal recessive 2; Epidermolysis bullosa simplex due to BP230 deficiency. Identifiers: Orphanet 412181, MedGen C3809470, MONDO:0014180, OMIM 615425.

Allele frequency attached by ClinVar (database versions not stated): TOPMed below 0.00001.
gnomAD v4.1: 3 of 1,613,870 alleles (0.00019%); highest among the groups gnomAD compares: Non-Finnish European, 0.00025%; no homozygotes.

Submission:

Labcorp Genetics (formerly Invitae), Labcorp
Classification: Uncertain significance for Epidermolysis bullosa simplex 3, localized or generalized intermediate, with BP230 deficiency; Hereditary sensory and autonomic neuropathy type 6. Last evaluated: 2022-04-15. Review status: criteria provided, single submitter. Criteria: Invitae Variant Classification Sherloc (09022015). Collection method: clinical testing. Allele origin: germline.
Comment: In summary, the available evidence is currently insufficient to determine the role of this variant in disease. Therefore, it has been classified as a Variant of Uncertain Significance. Algorithms developed to predict the effect of missense changes on protein structure and function are either unavailable or do not agree on the potential impact of this missense change (SIFT: "Deleterious"; PolyPhen-2: "Benign"; Align-GVGD: "Class C35"). This variant has not been reported in the literature in individuals affected with DST-related conditions. This variant is not present in population databases (gnomAD no frequency). This sequence change replaces aspartic acid, which is acidic and polar, with glutamic acid, which is acidic and polar, at codon 1778 of the DST protein (p.Asp1778Glu).